The following is an entry in ClinVar:

NM_001244008.2(KIF1A):c.4754T>A (p.Met1585Lys)

Gene: KIF1A (kinesin family member 1A; minus strand). Cytogenetic location: 2q37.3.
Variant type: single nucleotide variant.
Coding change: c.4754T>A on transcript NM_001244008.2 (MANE Select); coding-DNA position 4754, T replaced by A.
Protein change: p.Met1585Lys; replaces methionine 1585 with lysine.
Molecular consequence: missense variant.
Genome position (GRCh38, 1-based): chr2:240,721,028, A>T on the plus strand (T>A on the coding strand, the complement: KIF1A is on the minus strand). VCF-style: chr2-240721028-A-T. GRCh37 (hg19) VCF-style: chr2-241660445-A-T.
Other names: c.4730T>A, p.Met1577Lys (NM_001379632.1); c.4727T>A, p.Met1576Lys (NM_001379633.1, NM_001379645.1); c.4580T>A, p.Met1527Lys (NM_001379634.1); c.4577T>A, p.Met1526Lys (NM_001379635.1, NM_001379646.1); c.4565T>A, p.Met1522Lys (NM_001379636.1); c.4526T>A, p.Met1509Lys (NM_001379637.1); c.4502T>A, p.Met1501Lys (NM_001379638.1); c.4475T>A, p.Met1492Lys (NM_001379639.1); and 7 more; short protein forms M1483K, M1484K, M1492K, M1493K, M1501K, M1502K, M1509K, M1518K.
Identifiers: ClinVar variation 1176118 (VCV001176118.36), dbSNP rs2125586001, ClinGen allele CA351302056.

ClinVar aggregate classification (germline): Uncertain significance. Review status: criteria provided, multiple submitters, no conflicts (2 of 4 stars). 2 submissions from 2 submitters: Uncertain significance (2). Last evaluated 2026-01-09.

Conditions:
Hereditary spastic paraplegia 30. Identifiers: Orphanet 101010, MedGen C5235139, MONDO:0012476.
Neuropathy, hereditary sensory, type 2C. Also called: KIF1A-Related HSAN2 (HSAN2C); Hereditary sensory and autonomic neuropathy type IIC. Identifiers: Orphanet 970, MedGen C3280168, MONDO:0013634, OMIM 614213.
Intellectual disability, autosomal dominant 9 (NESCAVS). Also called: NESCAV SYNDROME; KIF1A-Related Neurodevelopmental Disorder. Identifiers: Orphanet 662367, MedGen C5393830, MONDO:0013656, OMIM 614255.

Allele frequency attached by ClinVar (database versions not stated): gnomAD exomes below 0.00001.

Submissions (2):

Labcorp Genetics (formerly Invitae), Labcorp
Classification: Uncertain significance for Hereditary spastic paraplegia 30; Neuropathy, hereditary sensory, type 2C; Intellectual disability, autosomal dominant 9. Last evaluated: 2026-01-09. Review status: criteria provided, single submitter. Criteria: Invitae Variant Classification Sherloc (09022015). Collection method: clinical testing. Allele origin: germline.
Comment: This sequence change replaces methionine, which is neutral and non-polar, with lysine, which is basic and polar, at codon 1484 of the KIF1A protein (p.Met1484Lys). This variant is not present in population databases (gnomAD no frequency). This variant has not been reported in the literature in individuals affected with KIF1A-related conditions. ClinVar contains an entry for this variant (Variation ID: 1176118). Invitae Evidence Modeling of protein sequence and biophysical properties (such as structural, functional, and spatial information, amino acid conservation, physicochemical variation, residue mobility, and thermodynamic stability) indicates that this missense variant is not expected to disrupt KIF1A protein function with a negative predictive value of 95%. In summary, the available evidence is currently insufficient to determine the role of this variant in disease. Therefore, it has been classified as a Variant of Uncertain Significance.

CeGaT Center for Human Genetics Tuebingen
Classification: Uncertain significance. Last evaluated: 2021-06-01. Review status: criteria provided, single submitter. Criteria: CeGaT Center For Human Genetics Tuebingen Variant Classification Criteria Version 2. Collection method: clinical testing. Allele origin: germline. Affected: yes. Observed: 1 variant allele.